The following is an entry in ClinVar:

NM_000053.4(ATP7B):c.2730G>A (p.Lys910=)

Gene: ATP7B (ATPase copper transporting beta; minus strand). Cytogenetic location: 13q14.3.
Variant type: single nucleotide variant.
Coding change: c.2730G>A on transcript NM_000053.4 (MANE Select); coding-DNA position 2730, G replaced by A.
Protein change: p.Lys910=; no amino-acid change (lysine 910 retained).
Molecular consequence: synonymous variant.
Genome position (GRCh38, 1-based): chr13:51,950,007, C>T on the plus strand (G>A on the coding strand, the complement: ATP7B is on the minus strand). VCF-style: chr13-51950007-C-T. GRCh37 (hg19) VCF-style: chr13-52524143-C-T.
Other names: p.Lys910=; c.2730G>A (NM_000053.3); c.2244G>A, p.Lys748= (NM_001005918.3); c.2397G>A, p.Lys799= (NM_001243182.2); c.2496G>A, p.Lys832= (NM_001330578.2); c.2478G>A, p.Lys826= (NM_001330579.2).
Identifiers: ClinVar variation 991418 (VCV000991418.10), dbSNP rs80145681, ClinGen allele CA6988934.

ClinVar aggregate classification (germline): Conflicting classifications of pathogenicity. Review status: criteria provided, conflicting classifications (1 of 4 stars). 7 submissions from 7 submitters: Uncertain significance (5); Likely benign (1). 1 of the submissions does not count toward it. Last evaluated 2025-10-15.

Conditions:
Wilson disease (WND). Also called: Wilson's disease. Identifiers: Orphanet 905, MedGen C0019202, MONDO:0010200, OMIM 277900. Disease mechanism: loss of function.

Allele frequency attached by ClinVar (database versions not stated): gnomAD exomes 0.00003 and 0.00008; ExAC 0.00009; ESP Exome Variant Server 0.00017; 1000 Genomes Project 30x 0.00031; gnomAD 0.00034 and 0.00037; 1000 Genomes Project 0.00040; TOPMed 0.00045.
gnomAD v4.1: 104 of 1,614,154 alleles (0.0064%); highest among the groups gnomAD compares: African/African-American, 0.11%; no homozygotes.

Submissions (7):

Mayo Clinic Laboratories, Mayo Clinic
Classification: Likely benign. Last evaluated: 2025-10-15. Review status: criteria provided, single submitter. Criteria: ACMG Guidelines, 2015. Collection method: clinical testing. Allele origin: germline. Observed: 1 variant allele.
Comment: BS1, BP4, BP7

Color Diagnostics, LLC DBA Color Health
Classification: Uncertain significance for Wilson disease. Last evaluated: 2025-08-06. Review status: criteria provided, single submitter. Criteria: ACMG Guidelines, 2015. Collection method: clinical testing. Allele origin: germline.
Comment: This synonymous variant causes a G>A nucleotide change in exon 11 of the ATP7B protein. Splice site prediction tools suggest that this variant may have a significant impact on RNA splicing. To our knowledge, RNA studies have not been reported for this variant. This variant has not been reported in individuals affected with Wilson disease in the literature. This variant has been identified in 32/280964 chromosomes in the general population by the Genome Aggregation Database (gnomAD). The available evidence is insufficient to determine the role of this variant in disease conclusively. Therefore, this variant is classified as a Variant of Uncertain Significance.

All of Us Research Program, National Institutes of Health
Classification: Uncertain significance for Wilson disease. Last evaluated: 2024-01-11. Review status: criteria provided, single submitter. Criteria: ACMG Guidelines, 2015. Collection method: clinical testing. Allele origin: germline. Inheritance: Autosomal recessive inheritance. Observed: 23 variant alleles, 23 heterozygotes.
Comment: This synonymous variant causes a G>A nucleotide change in exon 11 of the ATP7B protein. Splice site prediction tools suggest that this variant may have a significant impact on RNA splicing. To our knowledge, functional studies have not been reported for this variant. This variant has not been reported in individuals affected with Wilson disease in the literature. This variant has been identified in 32/280964 chromosomes in the general population by the Genome Aggregation Database (gnomAD). The available evidence is insufficient to determine the role of this variant in disease conclusively. Therefore, this variant is classified as a Variant of Uncertain Significance.

This study involves interpretation of variants in research participants for the purpose of population health screening. Participant phenotype was not available at the time of variant classification. Additional details can be found in publication PMID: 35346344, PMCID: PMC8962531

Fulgent Genetics
Classification: Uncertain significance for Wilson disease. Last evaluated: 2023-12-29. Review status: criteria provided, single submitter. Criteria: ACMG Guidelines, 2015. Collection method: clinical testing. Allele origin: germline.

GeneDx
Classification: Uncertain significance. Last evaluated: 2022-10-21. Review status: criteria provided, single submitter. Criteria: GeneDx Variant Classification Process June 2021. Collection method: clinical testing. Allele origin: germline. Affected: yes.
Comment: Has not been previously published as pathogenic or benign to our knowledge; In-silico analysis is inconclusive as to whether the variant alters gene splicing. In the absence of RNA/functional studies, the actual effect of this sequence change is unknown.

Labcorp Genetics (formerly Invitae), Labcorp
Classification: Uncertain significance for Wilson disease. Last evaluated: 2022-08-22. Review status: criteria provided, single submitter. Criteria: Invitae Variant Classification Sherloc (09022015). Collection method: clinical testing. Allele origin: germline.
Comment: This sequence change affects codon 910 of the ATP7B mRNA. It is a 'silent' change, meaning that it does not change the encoded amino acid sequence of the ATP7B protein. This variant also falls at the last nucleotide of exon 11, which is part of the consensus splice site for this exon. This variant is present in population databases (rs80145681, gnomAD 0.1%). This variant has not been reported in the literature in individuals affected with ATP7B-related conditions. ClinVar contains an entry for this variant (Variation ID: 991418). Variants that disrupt the consensus splice site are a relatively common cause of aberrant splicing (PMID: 17576681, 9536098). Algorithms developed to predict the effect of sequence changes on RNA splicing suggest that this variant may disrupt the consensus splice site. In summary, the available evidence is currently insufficient to determine the role of this variant in disease. Therefore, it has been classified as a Variant of Uncertain Significance.

Natera, Inc.
Classification: Uncertain significance for Wilson disease. Last evaluated: 2020-04-15. Review status: no assertion criteria provided. Collection method: clinical testing. Allele origin: germline. Not counted in ClinVar's aggregate classification.

Literature cited by the submitters: PubMed 17576681 (cited by Labcorp Genetics (formerly Invitae), Labcorp); PubMed 9536098 (cited by Labcorp Genetics (formerly Invitae), Labcorp).